The following is an entry in ClinVar:

NM_001127221.2(CACNA1A):c.5628+4dup

Gene: CACNA1A (calcium voltage-gated channel subunit alpha1 A; minus strand). Cytogenetic location: 19p13.13.
Variant type: Duplication.
Coding change: c.5628+4dup on transcript NM_001127221.2 (MANE Plus Clinical); 4 bases into the intron after coding-DNA position 5628, one base duplicated (T; older notation c.5628+4dupT).
Molecular consequence: splice donor variant. On other transcripts: intron variant (4).
Genome position (GRCh38, 1-based): chr19:13,228,695, A duplicated on the plus strand (T on the coding strand, the reverse complement: CACNA1A is on the minus strand); the first of 3 consecutive A bases (chr19:13,228,695-13,228,697); duplicating any one gives the same sequence. VCF-style (leftmost placement, unchanged base first): chr19-13228694-C-CA. GRCh37 (hg19) VCF-style: chr19-13339508-C-CA.
Other names: c.5529-1168dup (NM_001127222.2); c.5538-1168dup (NM_001174080.2); c.5547-1168dup (NM_000068.4, NM_023035.3).
Identifiers: ClinVar variation 4785841 (VCV004785841.1).

ClinVar aggregate classification (germline): Uncertain significance (1 of 4 stars; one submission).

Conditions:
Episodic ataxia type 2 (EA2). Also called: ACETAZOLAMIDE-RESPONSIVE HEREDITARY PAROXYSMAL CEREBELLAR ATAXIA; ATAXIA, EPISODIC, WITH NYSTAGMUS; ATAXIA, FAMILIAL PAROXYSMAL; CEREBELLAR ATAXIA, PAROXYSMAL, ACETAZOLAMIDE-RESPONSIVE; CEREBELLOPATHY, HEREDITARY PAROXYSMAL; EPISODIC ATAXIA, NYSTAGMUS-ASSOCIATED. Identifiers: Orphanet 97, MedGen C1720416, MONDO:0007163, OMIM 108500.
Developmental and epileptic encephalopathy, 42 (DEE42A). Also called: Epileptic encephalopathy, early infantile, 42; DEVELOPMENTAL AND EPILEPTIC ENCEPHALOPATHY 42A; EPILEPTIC ENCEPHALOPATHY, EARLY INFANTILE, 42A. Identifiers: MedGen C4310716, MONDO:0014917, OMIM 617106.

Submission:

Labcorp Genetics (formerly Invitae), Labcorp
Classification: Uncertain significance for Developmental and epileptic encephalopathy, 42; Episodic ataxia type 2. Last evaluated: 2025-08-11. Review status: criteria provided, single submitter. Criteria: Invitae Variant Classification Sherloc (09022015). Collection method: clinical testing. Allele origin: germline.
Comment: This sequence change falls in intron 37 of the CACNA1A gene. It does not directly change the encoded amino acid sequence of the CACNA1A protein. It affects a nucleotide within the consensus splice site. This variant is not present in population databases (gnomAD no frequency). This variant has not been reported in the literature in individuals affected with CACNA1A-related conditions. Variants that disrupt the consensus splice site are a relatively common cause of aberrant splicing (PMID: 17576681, 9536098). Algorithms developed to predict the effect of sequence changes on RNA splicing suggest that this variant is not likely to affect RNA splicing. In summary, the available evidence is currently insufficient to determine the role of this variant in disease. Therefore, it has been classified as a Variant of Uncertain Significance.

Literature cited by the submitters: PubMed 17576681; PubMed 9536098.